The following is an entry in ClinVar:

ClinVar aggregate classification (germline): Uncertain significance (1 of 4 stars; one submission).

Allele frequency attached by ClinVar (database versions not stated): ExAC 0.00024; 1000 Genomes Project 0.00060; 1000 Genomes Project 30x 0.00062; TOPMed 0.00087; gnomAD 0.00089; ESP Exome Variant Server 0.00092.
gnomAD v4.1: 236 of 1,571,746 alleles (0.015%); highest among the groups gnomAD compares: African/African-American, 0.29%; no homozygotes.

Submission:

GeneDx
Classification: Uncertain significance. Last evaluated: 2023-04-07. Review status: criteria provided, single submitter. Criteria: GeneDx Variant Classification Process June 2021. Collection method: clinical testing. Allele origin: germline. Affected: yes.
Comment: In silico analysis supports that this missense variant does not alter protein structure/function; Has not been previously published as pathogenic or benign to our knowledge

NM_145246.5(FRA10AC1):c.772A>C (p.Lys258Gln)

Gene: FRA10AC1 (FRA10A associated CGG repeat 1; minus strand). Cytogenetic location: 10q23.33.
Variant type: single nucleotide variant.
Coding change: c.772A>C on transcript NM_145246.5 (MANE Select); coding-DNA position 772, A replaced by C.
Protein change: p.Lys258Gln; replaces lysine 258 with glutamine.
Molecular consequence: missense variant. On other transcripts: non-coding transcript variant (1).
Genome position (GRCh38, 1-based): chr10:93,681,495, T>G on the plus strand (A>C on the coding strand, the complement: FRA10AC1 is on the minus strand). VCF-style: chr10-93681495-T-G. GRCh37 (hg19) VCF-style: chr10-95441252-T-G.
Other names: c.772A>C, p.Lys258Gln (NM_001347712.2, NM_001347713.2, NM_001347714.2 and 1 more transcripts); short protein forms K258Q.
Identifiers: ClinVar variation 2662776 (VCV002662776.1), dbSNP rs7914441, ClinGen allele CA5610682.